The following is an entry in ClinVar:

ClinVar aggregate classification (germline): Likely benign. Review status: criteria provided, multiple submitters, no conflicts (2 of 4 stars). 4 submissions from 4 submitters: Likely benign (3). 1 of the submissions does not count toward it. Last evaluated 2026-04-14.

Conditions:
Inborn genetic diseases. Identifiers: MedGen C0950123, MeSH D030342.
Familial intrahepatic cholestasis. Identifiers: Orphanet 284385, MedGen CN296401, MONDO:0017290.
ATP8B1-related disorder. Also called: ATP8B1-related disorders; ATP8B1-related condition.

Allele frequency attached by ClinVar (database versions not stated): gnomAD 0.00001; TOPMed 0.00002; gnomAD exomes 0.00005; ExAC 0.00009.
gnomAD v4.1: 31 of 1,613,952 alleles (0.0019%); highest among the groups gnomAD compares: African/African-American, 0.0027%; no homozygotes.

Submissions (4):

Genomenon, Inc
Classification: Likely benign for Familial intrahepatic cholestasis. Last evaluated: 2026-04-14. Review status: criteria provided, single submitter. Criteria: Genomenon Sequence Variant Interpretation Standards - Updated. Collection method: curation. Allele origin: germline. Affected: no.
Comment: ATP8B1 c.486C>T is a synonymous variant that retains Aspartic acid at residue 162. This variant has been reported in the published literature (PMID:32917322). It is absent or not present at a significant frequency in gnomAD. This synonymous variant is not predicted to impact splicing. In conclusion, we classify ATP8B1 p.Asp162= (c.486C>T) as a likely benign variant.

Labcorp Genetics (formerly Invitae), Labcorp
Classification: Likely benign. Last evaluated: 2026-01-14. Review status: criteria provided, single submitter. Criteria: Invitae Variant Classification Sherloc (09022015). Collection method: clinical testing. Allele origin: germline.

Ambry Genetics
Classification: Likely benign for Inborn genetic diseases. Last evaluated: 2024-04-23. Review status: criteria provided, single submitter. Criteria: Ambry Variant Classification Scheme 2023. Collection method: clinical testing. Allele origin: germline.

PreventionGenetics, part of Exact Sciences
Classification: Likely benign for ATP8B1-related condition. Last evaluated: 2024-04-04. Review status: no assertion criteria provided. Collection method: clinical testing. Allele origin: germline. Not counted in ClinVar's aggregate classification.
Comment: This variant is classified as likely benign based on ACMG/AMP sequence variant interpretation guidelines (Richards et al. 2015 PMID: 25741868, with internal and published modifications).

Literature cited by the submitters: PubMed 32917322 (cited by Genomenon, Inc).

NM_001374385.1(ATP8B1):c.486C>T (p.Asp162=)

Gene: ATP8B1 (ATPase phospholipid transporting 8B1; minus strand). Cytogenetic location: 18q21.31.
Variant type: single nucleotide variant.
Coding change: c.486C>T on transcript NM_001374385.1 (MANE Select); coding-DNA position 486, C replaced by T.
Protein change: p.Asp162=; no amino-acid change (aspartic acid 162 retained).
Molecular consequence: synonymous variant.
Genome position (GRCh38, 1-based): chr18:57,701,221, G>A on the plus strand (C>T on the coding strand, the complement: ATP8B1 is on the minus strand). VCF-style: chr18-57701221-G-A. GRCh37 (hg19) VCF-style: chr18-55368453-G-A.
Other names: c.486C>T (NM_005603.4); c.336C>T, p.Asp112= (NM_001374386.1); c.486C>T, p.Asp162= (NM_005603.6).
Identifiers: ClinVar variation 2977649 (VCV002977649.6), dbSNP rs761470016, ClinGen allele CA8974839.